The following is an entry in ClinVar:

NM_000531.6(OTC):c.1042C>T (p.Gln348Ter)

Gene: OTC (ornithine transcarbamylase; plus strand). Cytogenetic location: Xp11.4.
Variant type: single nucleotide variant.
Coding change: c.1042C>T on transcript NM_000531.6 (MANE Select); coding-DNA position 1042, C replaced by T.
Protein change: p.Gln348Ter; replaces glutamine 348 with a stop codon.
Molecular consequence: nonsense.
Genome position (GRCh38, 1-based): chrX:38,421,059, C>T. VCF-style: chrX-38421059-C-T. GRCh37 (hg19) VCF-style: chrX-38280312-C-T.
Other names: short protein forms Q348*.
Identifiers: ClinVar variation 97103 (VCV000097103.2), dbSNP rs72558494, ClinGen allele CA224448.

ClinVar aggregate classification (germline): Pathogenic (0 of 4 stars; one submission).

Submission:

GenMed Metabolism Lab
Classification: Pathogenic. Review status: no assertion criteria provided. Collection method: not provided. Allele origin: unknown.
ClinVar note: Converted during submission from pathogenic to Pathogenic.